The following is an entry in ClinVar:

ClinVar aggregate classification (germline): Uncertain significance (1 of 4 stars; one submission).

Conditions:
Hereditary cancer-predisposing syndrome. Also called: Neoplastic Syndromes, Hereditary; Tumor predisposition; Hereditary Cancer Syndrome; Hereditary neoplastic syndrome. Identifiers: Orphanet 140162, MedGen C0027672, MeSH D009386, MONDO:0015356.

Submission:

Ambry Genetics
Classification: Uncertain significance for Hereditary cancer-predisposing syndrome. Last evaluated: 2021-09-10. Review status: criteria provided, single submitter. Criteria: Ambry Variant Classification Scheme 2023. Collection method: clinical testing. Allele origin: germline.
Comment: The p.M424V variant (also known as c.1270A>G), located in coding exon 7 of the SMARCA4 gene, results from an A to G substitution at nucleotide position 1270. The methionine at codon 424 is replaced by valine, an amino acid with highly similar properties. This amino acid position is highly conserved in available vertebrate species. In addition, the in silico prediction for this alteration is inconclusive. Missense and in-frame variants in SMARCA4 are known to cause neurodevelopmental disorders; however, such associations with rhabdoid tumor predisposition syndrome including small cell carcinoma of the ovary-hypercalcemic type (SCCOHT) are exceedingly rare (Kosho T et al. Am J Med Genet C Semin Med Genet. 2014 Sep;166C(3):262-75; Jelinic P et al. Nat Genet. 2014 May;46(5):424-6). Since supporting evidence is limited at this time, the clinical significance of this alteration remains unclear.

NM_003072.5(SMARCA4):c.1270A>G (p.Met424Val)

Gene: SMARCA4 (SWI/SNF related BAF chromatin remodeling complex subunit ATPase 4; plus strand). Cytogenetic location: 19p13.2.
Variant type: single nucleotide variant.
Coding change: c.1270A>G on transcript NM_003072.5 (MANE Select); coding-DNA position 1270, A replaced by G.
Protein change: p.Met424Val; replaces methionine 424 with valine.
Molecular consequence: missense variant. On other transcripts: non-coding transcript variant (1).
Genome position (GRCh38, 1-based): chr19:10,991,174, A>G. VCF-style: chr19-10991174-A-G. GRCh37 (hg19) VCF-style: chr19-11101850-A-G.
Other names: c.1270A>G, p.Met424Val (NM_001128844.3, NM_001128845.2, NM_001128846.2 and 6 more transcripts); short protein forms M424V.
Identifiers: ClinVar variation 1765325 (VCV001765325.2), dbSNP rs1555757541, ClinGen allele CA404060541.